The following is an entry in ClinVar:

NM_005909.5(MAP1B):c.196T>G (p.Trp66Gly)

Gene: MAP1B (microtubule associated protein 1B; plus strand). Cytogenetic location: 5q13.2.
Variant type: single nucleotide variant.
Coding change: c.196T>G on transcript NM_005909.5 (MANE Select); coding-DNA position 196, T replaced by G.
Protein change: p.Trp66Gly; replaces tryptophan 66 with glycine.
Molecular consequence: missense variant.
Genome position (GRCh38, 1-based): chr5:72,115,709, T>G. VCF-style: chr5-72115709-T-G. GRCh37 (hg19) VCF-style: chr5-71411536-T-G.
Other names: short protein forms W66G.
Identifiers: ClinVar variation 2430982 (VCV002430982.1), dbSNP rs2478744388, ClinGen allele CA359988843.

ClinVar aggregate classification (germline): Uncertain significance (1 of 4 stars; one submission).

Submission:

GeneDx
Classification: Uncertain significance. Last evaluated: 2022-08-18. Review status: criteria provided, single submitter. Criteria: GeneDx Variant Classification Process June 2021. Collection method: clinical testing. Allele origin: germline. Affected: yes.
Comment: Not observed at significant frequency in large population cohorts (gnomAD); In silico analysis supports that this missense variant has a deleterious effect on protein structure/function; Has not been previously published as pathogenic or benign to our knowledge